The following is an entry in ClinVar:

NM_000059.4(BRCA2):c.9875C>T (p.Pro3292Leu)

Gene: BRCA2 (BRCA2 DNA repair associated; plus strand). Cytogenetic location: 13q13.1.
Variant type: single nucleotide variant.
Coding change: c.9875C>T on transcript NM_000059.4 (MANE Select); coding-DNA position 9875, C replaced by T.
Protein change: p.Pro3292Leu; replaces proline 3292 with leucine.
Molecular consequence: missense variant.
Genome position (GRCh38, 1-based): chr13:32,398,388, C>T. VCF-style: chr13-32398388-C-T. GRCh37 (hg19) VCF-style: chr13-32972525-C-T.
Other names: p.P3292L:CCG>CTG; NP_000050.3:p.Pro3292Leu; 10103C>T; short protein forms P3292L.
Identifiers: ClinVar variation 52910 (VCV000052910.69), dbSNP rs56121817, ClinGen allele CA026319.

ClinVar aggregate classification (germline): Benign. Review status: reviewed by expert panel (3 of 4 stars). 27 submissions from 26 submitters: Benign (1). 26 of the submissions do not count toward it. Last evaluated 2019-06-18.

Conditions:
Hereditary cancer-predisposing syndrome. Also called: Tumor predisposition; Neoplastic Syndromes, Hereditary; Hereditary neoplastic syndrome; Hereditary Cancer Syndrome. Identifiers: Orphanet 140162, MedGen C0027672, MeSH D009386, MONDO:0015356.
Hereditary breast ovarian cancer syndrome. Also called: Hereditary breast and ovarian cancer; BRCA1- and BRCA2-Associated Hereditary Breast and Ovarian Cancer; Hereditary breast and/or ovarian cancer syndrome; Hereditary breast and ovarian cancer syndrome; Breast and ovarian cancer; Hereditary breast and ovarian cancer syndrome (HBOC). Identifiers: Orphanet 145, MedGen C0677776, MeSH D061325, MONDO:0003582. Disease mechanism: loss of function.
Fanconi anemia complementation group D1. Also called: BRCA2-Related Fanconi Anemia. Identifiers: Orphanet 319462, MedGen C1838457, MONDO:0011584, OMIM 605724.
Breast-ovarian cancer, familial, susceptibility to, 2 (BROVCA2). Also called: BRCA2 Hereditary Breast and Ovarian Cancer. Identifiers: Orphanet 145, MedGen C2675520, MONDO:0012933, OMIM 612555. Disease mechanism: loss of function.
Familial cancer of breast. Also called: BREAST CANCER, FAMILIAL; hereditary breast carcinoma; Hereditary breast cancer. Identifiers: Orphanet 227535, MedGen C0346153, MONDO:0016419, OMIM 114480. Disease mechanism: loss of function.
Malignant tumor of breast. Also called: Malignant breast neoplasm; Cancer breast. Identifiers: MedGen C0006142, MONDO:0007254. Disease mechanism: loss of function.

Allele frequency attached by ClinVar (database versions not stated): ExAC 0.00007; gnomAD 0.00009; 1000 Genomes Project 30x 0.00016; TOPMed 0.00018; 1000 Genomes Project 0.00020.
gnomAD v4.1: 100 of 1,614,098 alleles (0.0062%); highest among the groups gnomAD compares: Middle Eastern, 0.12%; no homozygotes.

Submissions 1 to 13 of 27:

Evidence-based Network for the Interpretation of Germline Mutant Alleles (ENIGMA)
Classification: Benign for Breast-ovarian cancer, familial, susceptibility to, 2. Last evaluated: 2019-06-18. Review status: reviewed by expert panel. Criteria: ENIGMA BRCA1/2 Classification Criteria (2017-06-29). Collection method: curation. Allele origin: germline.
Comment: IARC class based on posterior probability from multifactorial likelihood analysis, thresholds for class as per Plon et al. 2008 (PMID: 18951446). Class 1 based on posterior probability = 0.000108

Labcorp Genetics (formerly Invitae), Labcorp
Classification: Benign for Hereditary breast ovarian cancer syndrome. Last evaluated: 2026-01-27. Review status: criteria provided, single submitter. Criteria: Invitae Variant Classification Sherloc (09022015). Collection method: clinical testing. Allele origin: germline. Not counted in ClinVar's aggregate classification.

Institute for Biomarker Research, Medical Diagnostic Laboratories, L.L.C.
Classification: Likely benign for Hereditary breast ovarian cancer syndrome. Last evaluated: 2025-02-06. Review status: criteria provided, single submitter. Criteria: ACMG Guidelines, 2015. Collection method: clinical testing. Allele origin: germline. Not counted in ClinVar's aggregate classification.
Comment: The missense variant NM_000059.4(BRCA2):c.9875C>T (p.Pro3292Leu) has been reported to ClinVar as Benign with a status of (3 stars) reviewed by expert panel (Variation ID 52910 as of 2025-01-02). There is a moderate physicochemical difference between proline and leucine. For these reasons, this variant has been classified as Likely Benign.

Blueprint Genetics
Classification: Likely benign. Last evaluated: 2024-09-02. Review status: criteria provided, single submitter. Criteria: ACMG Guidelines, 2015. Collection method: clinical testing. Allele origin: germline. Not counted in ClinVar's aggregate classification.

Revvity Omics, Revvity
Classification: Likely benign. Last evaluated: 2024-08-19. Review status: criteria provided, single submitter. Criteria: ACMG Guidelines, 2015. Collection method: clinical testing. Allele origin: germline. Not counted in ClinVar's aggregate classification.

Mendelics
Classification: Benign for Hereditary breast ovarian cancer syndrome. Last evaluated: 2023-08-22. Review status: criteria provided, single submitter. Criteria: Mendelics Assertion Criteria 2019. Collection method: clinical testing. Allele origin: germline. Not counted in ClinVar's aggregate classification.

Quest Diagnostics Nichols Institute San Juan Capistrano
Classification: Likely benign. Last evaluated: 2023-03-03. Review status: criteria provided, single submitter. Criteria: Quest Diagnostics criteria. Collection method: clinical testing. Allele origin: unknown. Not counted in ClinVar's aggregate classification.

National Health Laboratory Service, Universitas Academic Hospital and University of the Free State
Classification: Uncertain significance for Hereditary breast ovarian cancer syndrome. Last evaluated: 2022-04-19. Review status: criteria provided, single submitter. Criteria: ACMG Guidelines, 2015. Collection method: clinical testing. Allele origin: germline. Affected: yes. Observed: 33 variant alleles. Not counted in ClinVar's aggregate classification.

Sema4
Classification: Uncertain significance for Hereditary cancer-predisposing syndrome. Last evaluated: 2021-12-13. Review status: criteria provided, single submitter. Criteria: Sema4 Curation Guidelines. Collection method: curation. Allele origin: germline. Not counted in ClinVar's aggregate classification.
Comment: The BRCA2 c.9875C>T (p.P3292L) variant has been reported in heterozygosity in individuals with breast, ovarian, or pancreatic cancer (PMID: 20104584, 21520273, 24372583, 26577449, 27907908, 29802286, 30400234, 33471991, 30287823). It was also reported in an inividual with Fanconi anemia, however this patient also carried two pathogenic variants in FANCC (PMID: 26740942). This variant has also been detected in healthy individuals (PMID: 32906206, 33471991, 30287823). One functional study suggested that this variant impacts the phosphorylation site at Ser3291, and thus may impact RAD51 interaction (PMID: 23704879). However, another study showed normal RAD51 focus formation and a sensitivity to mitomycin C that was similar to wildtype (PMID: 18593900). It was observed in 9/18392 chromosomes of the East Asian subpopulation in the large and broad cohorts of the Genome Aggregation Database (PMID: 32461654). The variant has been reported in ClinVar (Variation ID: 52910). In silico predictions of the variant's effect on protein function are inconclusive. The evidence is insufficient to meet ACMG/AMP criteria for classifying the variant as benign or pathogenic. Thus, the clinical significance of this variant is currently uncertain.

Ambry Genetics
Classification: Benign for Hereditary cancer-predisposing syndrome. Last evaluated: 2021-03-04. Review status: criteria provided, single submitter. Criteria: Ambry Variant Classification Scheme 2023. Collection method: clinical testing. Allele origin: germline. Not counted in ClinVar's aggregate classification.

GeneDx
Classification: Likely benign. Last evaluated: 2020-09-08. Review status: criteria provided, single submitter. Criteria: GeneDx Variant Classification Process June 2021. Collection method: clinical testing. Allele origin: germline. Affected: yes. Not counted in ClinVar's aggregate classification.
Comment: This variant is associated with the following publications: (PMID: 32444794, 31409081, 31509718, 30199306, 30287823, 30400234, 29802286, 31131967, 29126202, 28814288, 28477318, 27907908, 27211102, 26566862, 26577449, 24372583, 25589618, 26740942, 19540122, 24323938, 18593900, 15800615, 20104584, 23704879)

Women's Health and Genetics/Laboratory Corporation of America, LabCorp
Classification: Benign. Last evaluated: 2019-01-18. Review status: criteria provided, single submitter. Criteria: LabCorp Variant Classification Summary - May 2015. Collection method: clinical testing. Allele origin: germline. Not counted in ClinVar's aggregate classification.
Comment: Variant summary: BRCA2 c.9875C>T (p.Pro3292Leu) results in a non-conservative amino acid change in the encoded protein sequence. Four of five in-silico tools predict a damaging effect of the variant on protein function. The variant allele was found at a frequency of 8.9e-05 in 247930 control chromosomes (gnomAD and publication). This frequency is not significantly higher than expected for a pathogenic variant in BRCA2 causing Hereditary Breast and Ovarian Cancer (8.9e-05 vs 0.00075) however, the variant could still represent a rare polymorphism. c.9875C>T has been reported in the literature in individuals affected with breast and/or ovarian cancer, sarcoma, metastatic castration-resistant prostate cancer and pancreatic ductal adenocarcinoma (Abulkhair_2018, Diaz-Zabala_2018, Takeuchi_2018, Annala_2017, Barrios_2017, Ballinger_2016, Chao_2016, Francies_2015, Riahi_2015, Borg_2010). These reports do not provide unequivocal conclusions about association of the variant with Hereditary Breast and Ovarian Cancer. Co-occurrences with other pathogenic variants have been reported (BRCA2 c.3922G>T, p.Glu1308X; BRCA2 c.9117G > A, p.Pro3039Pro; BRCA2 9502delT, c.9274delT, p.Tyr3092Ilefs)(Barrios_2017, ClinVar, BIC database), providing supporting evidence for a benign role. Furthermore, in a Fanconi anemia patient carrying this variant, variants were detected in FANCC gene (c.37C>T, p.Gln13X; c.1069C>T, p.Gln357X) (Nicchia_2015), providing supporting evidence for a benign role in this specific case. Experimental evidence evaluating an impact on protein function reported the variant as not being disruptive to the interaction of BRCA2 with RAD51, RAD51 foci formation was not significantly impaired following DNA damage induction and no significant increase in sensitivity to mitomycin C and etoposide was observed (Esashi _2005, Hucl _2008). Nine ClinVar submissions from clinical diagnostic laboratories (evaluation after 2014) cite the variant as uncertain significance (5x), likely benign (3x) and once as benign. Based on the evidence outlined above, the variant was classified as benign.

Genetic Services Laboratory, University of Chicago
Classification: Uncertain significance. Last evaluated: 2018-09-06. Review status: criteria provided, single submitter. Criteria: ACMG Guidelines, 2015. Collection method: clinical testing. Allele origin: germline. Affected: no. Not counted in ClinVar's aggregate classification.